The following is an entry in ClinVar:

ClinVar aggregate classification (germline): Likely benign (1 of 4 stars; one submission).

Allele frequency attached by ClinVar (database versions not stated): TOPMed below 0.00001; gnomAD 0.00001; gnomAD exomes 0.00001; ExAC 0.00003.

Submission:

CeGaT Center for Human Genetics Tuebingen
Classification: Likely benign. Last evaluated: 2022-09-01. Review status: criteria provided, single submitter. Criteria: CeGaT Center For Human Genetics Tuebingen Variant Classification Criteria Version 2. Collection method: clinical testing. Allele origin: germline. Affected: yes. Observed: 1 variant allele.
Comment: USP26: BP4

NM_031907.3(USP26):c.2062G>A (p.Asp688Asn)

Gene: USP26 (ubiquitin specific peptidase 26; minus strand). Cytogenetic location: Xq26.2.
Variant type: single nucleotide variant.
Coding change: c.2062G>A on transcript NM_031907.3 (MANE Select); coding-DNA position 2062, G replaced by A.
Protein change: p.Asp688Asn; replaces aspartic acid 688 with asparagine.
Molecular consequence: missense variant.
Genome position (GRCh38, 1-based): chrX:133,026,159, C>T on the plus strand (G>A on the coding strand, the complement: USP26 is on the minus strand). VCF-style: chrX-133026159-C-T. GRCh37 (hg19) VCF-style: chrX-132160187-C-T.
Other names: short protein forms D688N.
Identifiers: ClinVar variation 2661460 (VCV002661460.24), dbSNP rs765044740, ClinGen allele CA10519820.